The following is an entry in ClinVar:

ClinVar aggregate classification (germline): Uncertain significance. Review status: criteria provided, multiple submitters, no conflicts (2 of 4 stars). 7 submissions from 7 submitters: Uncertain significance (7). Last evaluated 2026-09-04.

Conditions:
SCN9A-related disorder. Also called: SCN9A-related disorders; SCN9A-related condition.
Generalized epilepsy with febrile seizures plus, type 7 (GEFSP7). Also called: GEFS+, TYPE 7. Identifiers: Orphanet 36387, MedGen C2751778, MONDO:0013470, OMIM 613863.
Primary erythromelalgia. Also called: SCN9A Erythromelalgia (SCN9A-EM); primary erythermalgia. Identifiers: Orphanet 306577, Orphanet 90026, MedGen C0014805, MONDO:0007571, OMIM 133020.
Neuropathy, hereditary sensory and autonomic, type 2A (HSAN2A). Also called: MORVAN DISEASE; NEUROPATHY, CONGENITAL SENSORY; NEUROPATHY, HEREDITARY SENSORY RADICULAR, AUTOSOMAL RECESSIVE; NEUROPATHY, HEREDITARY SENSORY, TYPE IIA; NEUROPATHY, PROGRESSIVE SENSORY, OF CHILDREN; WNK1-Related HSAN2 (HSAN2A). Identifiers: Orphanet 970, MedGen C2752089, MONDO:0024309, OMIM 201300.
Paroxysmal extreme pain disorder (PEXPD). Also called: PAIN, SUBMANDIBULAR, OCULAR, AND RECTAL, WITH FLUSHING; RECTAL PAIN, FAMILIAL; SCN9A Paroxysmal Extreme Pain Disorder (SCN9A-PEPD). Identifiers: Orphanet 46348, MedGen C1833661, MONDO:0008179, OMIM 167400.
Severe myoclonic epilepsy in infancy (DRVT). Also called: Severe Myoclonic Epilepsy in Infancy (SMEI); Epileptic encephalopathy, early infantile, 6 (Dravet syndrome); Dravet syndrome; SEVERE MYOCLONIC EPILEPSY OF INFANCY; DEVELOPMENTAL AND EPILEPTIC ENCEPHALOPATHY 6A. Identifiers: Orphanet 33069, MedGen C0751122, MONDO:0100135, OMIM 607208.
Channelopathy-associated congenital insensitivity to pain, autosomal recessive. Also called: Insensitivity to pain, channelopathy-associated; ASYMBOLIA FOR PAIN; CONGENITAL ANALGESIA, AUTOSOMAL RECESSIVE. Identifiers: Orphanet 88642, Orphanet 970, MedGen C1855739, MONDO:0009459, OMIM 243000.
Inborn genetic diseases. Identifiers: MedGen C0950123, MeSH D030342.

Allele frequency attached by ClinVar (database versions not stated): gnomAD exomes 0.00005 and 0.00014; TOPMed 0.00008; ExAC 0.00010; gnomAD 0.00011 and 0.00012; ESP Exome Variant Server 0.00031.
gnomAD v4.1: 211 of 1,613,796 alleles (0.013%); highest among the groups gnomAD compares: Non-Finnish European, 0.017%; no homozygotes.

Submissions (7):

PreventionGenetics, part of Exact Sciences
Classification: Uncertain significance for SCN9A-related condition. Last evaluated: 2026-09-04. Review status: criteria provided, single submitter. Criteria: ACMG Guidelines, 2015. Collection method: clinical testing. Allele origin: germline.
Comment: The SCN9A c.4787C>T variant is predicted to result in the amino acid substitution p.Thr1596Ile. This variant has been reported in an individual with painful diabetic neuropathy (Blesneac et al. 2018. PubMed ID: 29176367). In addition, functional studies have shown that this variant leads to gain-of-function (Blesneac et al. 2018. PubMed ID: 29176367). However, the full clinical impact of this variant is unknown. This variant is reported in 0.024% of alleles in individuals of African descent in gnomAD, which may be too frequent to be a primary cause of an autosomal dominant disease. At this time, the clinical significance of this variant is uncertain due to the absence of conclusive functional and genetic evidence.

Labcorp Genetics (formerly Invitae), Labcorp
Classification: Uncertain significance for Neuropathy, hereditary sensory and autonomic, type 2A; Generalized epilepsy with febrile seizures plus, type 7. Last evaluated: 2026-01-26. Review status: criteria provided, single submitter. Criteria: Invitae Variant Classification Sherloc (09022015). Collection method: clinical testing. Allele origin: germline.
Comment: This sequence change replaces threonine, which is neutral and polar, with isoleucine, which is neutral and non-polar, at codon 1596 of the SCN9A protein (p.Thr1596Ile). This variant is present in population databases (rs200470541, gnomAD 0.02%). This missense change has been observed in individual(s) with diabetic peripheral neuropathy (PMID: 29176367). ClinVar contains an entry for this variant (Variation ID: 130271). Invitae Evidence Modeling of protein sequence and biophysical properties (such as structural, functional, and spatial information, amino acid conservation, physicochemical variation, residue mobility, and thermodynamic stability) indicates that this missense variant is not expected to disrupt SCN9A protein function with a negative predictive value of 80%. Experimental studies have shown that this missense change affects SCN9A function (PMID: 29176367). In summary, the available evidence is currently insufficient to determine the role of this variant in disease. Therefore, it has been classified as a Variant of Uncertain Significance.

Mayo Clinic Laboratories, Mayo Clinic
Classification: Uncertain significance. Last evaluated: 2021-10-14. Review status: criteria provided, single submitter. Criteria: ACMG Guidelines, 2015. Collection method: clinical testing. Allele origin: germline.

Ambry Genetics
Classification: Uncertain significance for Inborn genetic diseases. Last evaluated: 2021-02-10. Review status: criteria provided, single submitter. Criteria: Ambry Variant Classification Scheme 2023. Collection method: clinical testing. Allele origin: germline.
Comment: The p.T1596I variant (also known as c.4787C>T), located in coding exon 26 of the SCN9A gene, results from a C to T substitution at nucleotide position 4787. The threonine at codon 1596 is replaced by isoleucine, an amino acid with similar properties. This variant has been detected in an individual with painful diabetic neuropathy (Blesneac I et al. Pain, 2018 03;159:469-480). In addition, in vitro studies have shown that this alteration affects the inactivation properties of the channel in a manner consistent with a gain-of-function effect; however, the clinical significance of these studies is unknown at this time (Blesneac I et al. Pain, 2018 03;159:469-480). This amino acid position is highly conserved in available vertebrate species. In addition, this alteration is predicted to be deleterious by in silico analysis. Based on the supporting evidence, this variant is unlikely to be causative of primary erythermalgia/small fiber neuropathy and paroxysmal extreme pain disorder (PEPD); however, its contribution to the development of congenital insensitivity to pain (CIP) and hereditary sensory autonomic neuropathy type II (HSAN2D) is uncertain.

Knight Diagnostic Laboratories, Oregon Health and Sciences University
Classification: Uncertain significance for Generalized epilepsy with febrile seizures plus, type 7. Last evaluated: 2019-07-29. Review status: criteria provided, single submitter. Criteria: ACMG Guidelines, 2015. Collection method: clinical testing. Allele origin: germline. Observed: 1 variant allele.

Fulgent Genetics
Classification: Uncertain significance for Primary erythromelalgia; Paroxysmal extreme pain disorder; Neuropathy, hereditary sensory and autonomic, type 2A; Channelopathy-associated congenital insensitivity to pain, autosomal recessive; Severe myoclonic epilepsy in infancy; Generalized epilepsy with febrile seizures plus, type 7. Last evaluated: 2018-10-31. Review status: criteria provided, single submitter. Criteria: ACMG Guidelines, 2015. Collection method: clinical testing. Allele origin: unknown.

Genetic Services Laboratory, University of Chicago
Classification: Uncertain significance. Last evaluated: 2013-08-27. Review status: criteria provided, single submitter. Criteria: ACMG Guidelines, 2007. Collection method: clinical testing. Allele origin: germline. Inheritance: Autosomal dominant inheritance.

Literature cited by the submitters: PubMed 29176367 (cited by Labcorp Genetics (formerly Invitae), Labcorp and Ambry Genetics).

NM_001365536.1(SCN9A):c.4820C>T (p.Thr1607Ile)

Genes: SCN1A-AS1 (SCN1A and SCN9A antisense RNA 1; plus strand), SCN9A (sodium voltage-gated channel alpha subunit 9; minus strand). Cytogenetic location: 2q24.3.
Variant type: single nucleotide variant.
Coding change: c.4820C>T on transcript NM_001365536.1 (MANE Select); coding-DNA position 4820, C replaced by T.
Protein change: p.Thr1607Ile; replaces threonine 1607 with isoleucine.
Molecular consequence: missense variant.
Genome position (GRCh38, 1-based): chr2:166,199,819, G>A on the plus strand (C>T on the coding strand, the complement: SCN9A is on the minus strand). VCF-style: chr2-166199819-G-A. GRCh37 (hg19) VCF-style: chr2-167056329-G-A.
Other names: p.Thr1596Ile; c.4787C>T, p.Thr1596Ile (NM_002977.4); short protein forms T1596I, T1607I.
Identifiers: ClinVar variation 130271 (VCV000130271.24), dbSNP rs200470541, ClinGen allele CA231506.